The following is an entry in ClinVar:

ClinVar aggregate classification (germline): Uncertain significance (1 of 4 stars; one submission).

Conditions:
Progressive familial heart block type IB (PFHB1B). Identifiers: Orphanet 871, MedGen C1970298, MONDO:0011474, OMIM 604559.

Submission:

Labcorp Genetics (formerly Invitae), Labcorp
Classification: Uncertain significance for Progressive familial heart block type IB. Last evaluated: 2022-09-29. Review status: criteria provided, single submitter. Criteria: Invitae Variant Classification Sherloc (09022015). Collection method: clinical testing. Allele origin: germline.
Comment: In summary, the available evidence is currently insufficient to determine the role of this variant in disease. Therefore, it has been classified as a Variant of Uncertain Significance. Algorithms developed to predict the effect of missense changes on protein structure and function output the following: SIFT: "Tolerated"; PolyPhen-2: "Benign"; Align-GVGD: "Class C0". The aspartic acid amino acid residue is found in multiple mammalian species, which suggests that this missense change does not adversely affect protein function. This variant has not been reported in the literature in individuals affected with TRPM4-related conditions. This variant is not present in population databases (gnomAD no frequency). This sequence change replaces glycine, which is neutral and non-polar, with aspartic acid, which is acidic and polar, at codon 757 of the TRPM4 protein (p.Gly757Asp).

NM_017636.4(TRPM4):c.2270G>A (p.Gly757Asp)

Gene: TRPM4 (transient receptor potential cation channel subfamily M member 4; plus strand). Cytogenetic location: 19q13.33.
Variant type: single nucleotide variant.
Coding change: c.2270G>A on transcript NM_017636.4 (MANE Select); coding-DNA position 2270, G replaced by A.
Protein change: p.Gly757Asp; replaces glycine 757 with aspartic acid.
Molecular consequence: missense variant. On other transcripts: intron variant (1).
Genome position (GRCh38, 1-based): chr19:49,196,499, G>A. VCF-style: chr19-49196499-G-A. GRCh37 (hg19) VCF-style: chr19-49699756-G-A.
Other names: c.2211-3801G>A (NM_001195227.2); c.1925G>A, p.Gly642Asp (NM_001321281.2); c.662G>A, p.Gly221Asp (NM_001321282.2); c.1748G>A, p.Gly583Asp (NM_001321283.2); c.1208G>A, p.Gly403Asp (NM_001321285.2); short protein forms G221D, G403D, G583D, G642D, G757D.
Identifiers: ClinVar variation 1720645 (VCV001720645.5), dbSNP rs1449094889, ClinGen allele CA406808635.